The following is an entry in ClinVar:

ClinVar aggregate classification (germline): Uncertain significance. Review status: criteria provided, multiple submitters, no conflicts (2 of 4 stars). 2 submissions from 2 submitters: Uncertain significance (2). Last evaluated 2025-05-02.

Conditions:
EGFR-related lung cancer (EGFR). Identifiers: MedGen CN130014.
Hereditary cancer-predisposing syndrome. Also called: Tumor predisposition; Hereditary Cancer Syndrome; Neoplastic Syndromes, Hereditary; Hereditary neoplastic syndrome. Identifiers: Orphanet 140162, MedGen C0027672, MeSH D009386, MONDO:0015356.

Allele frequency attached by ClinVar (database versions not stated): TOPMed below 0.00001.
gnomAD v4.1: 2 of 1,614,040 alleles (0.00012%); highest among the groups gnomAD compares: Non-Finnish European, 0.00017%; no homozygotes.

Submissions (2):

Ambry Genetics
Classification: Uncertain significance for Hereditary cancer-predisposing syndrome. Last evaluated: 2025-05-02. Review status: criteria provided, single submitter. Criteria: Ambry Variant Classification Scheme 2023. Collection method: clinical testing. Allele origin: germline.
Comment: The p.D942H variant (also known as c.2824G>C), located in coding exon 23 of the EGFR gene, results from a G to C substitution at nucleotide position 2824. The aspartic acid at codon 942 is replaced by histidine, an amino acid with similar properties. This amino acid position is conserved. In addition, this alteration is predicted to be deleterious by in silico analysis. Based on the available evidence, the clinical significance of this variant remains unclear.

Labcorp Genetics (formerly Invitae), Labcorp
Classification: Uncertain significance for EGFR-related lung cancer. Last evaluated: 2024-07-16. Review status: criteria provided, single submitter. Criteria: Invitae Variant Classification Sherloc (09022015). Collection method: clinical testing. Allele origin: germline.
Comment: This sequence change replaces aspartic acid, which is acidic and polar, with histidine, which is basic and polar, at codon 942 of the EGFR protein (p.Asp942His). This variant is not present in population databases (gnomAD no frequency). This variant has not been reported in the literature in individuals affected with EGFR-related conditions. ClinVar contains an entry for this variant (Variation ID: 2415179). Advanced modeling of protein sequence and biophysical properties (such as structural, functional, and spatial information, amino acid conservation, physicochemical variation, residue mobility, and thermodynamic stability) performed at Invitae indicates that this missense variant is expected to disrupt EGFR protein function with a positive predictive value of 80%. In summary, the available evidence is currently insufficient to determine the role of this variant in disease. Therefore, it has been classified as a Variant of Uncertain Significance.

NM_005228.5(EGFR):c.2824G>C (p.Asp942His)

Gene: EGFR (epidermal growth factor receptor; plus strand). Cytogenetic location: 7p11.2.
Variant type: single nucleotide variant.
Coding change: c.2824G>C on transcript NM_005228.5 (MANE Select); coding-DNA position 2824, G replaced by C.
Protein change: p.Asp942His; replaces aspartic acid 942 with histidine.
Molecular consequence: missense variant.
Genome position (GRCh38, 1-based): chr7:55,198,839, G>C. VCF-style: chr7-55198839-G-C. GRCh37 (hg19) VCF-style: chr7-55266532-G-C.
Other names: c.2689G>C, p.Asp897His (NM_001346897.2, NM_001346899.2); c.2824G>C, p.Asp942His (NM_001346898.2); c.2665G>C, p.Asp889His (NM_001346900.2); c.2023G>C, p.Asp675His (NM_001346941.2); short protein forms D675H, D889H, D897H, D942H.
Identifiers: ClinVar variation 2415179 (VCV002415179.7), dbSNP rs967910623, ClinGen allele CA367581432.